The following is an entry in ClinVar:

NM_002473.6(MYH9):c.3903G>C (p.Lys1301Asn)

Gene: MYH9 (myosin heavy chain 9; minus strand). Cytogenetic location: 22q12.3.
Variant type: single nucleotide variant.
Coding change: c.3903G>C on transcript NM_002473.6 (MANE Select); coding-DNA position 3903, G replaced by C.
Protein change: p.Lys1301Asn; replaces lysine 1301 with asparagine.
Molecular consequence: missense variant.
Genome position (GRCh38, 1-based): chr22:36,293,798, C>G on the plus strand (G>C on the coding strand, the complement: MYH9 is on the minus strand). VCF-style: chr22-36293798-C-G. GRCh37 (hg19) VCF-style: chr22-36689844-C-G.
Other names: short protein forms K1301N.
Identifiers: ClinVar variation 228926 (VCV000228926.11), dbSNP rs767235227, ClinGen allele CA10209523.
Genomic context (GRCh38, chr22:36,293,798, plus strand): 5'-GGAACCTGGCGCCACCCCTACCTGAGTGTCCTGCAGCTGGGACTCCAGCGCGGAGAAGTC[C>G]TTGGTGAGCTTGCTGGACTTGCTGTCGGACTGGCTGAGAAGCCCGGTCACGTTGTCCAGC-3'
Protein context (NP_002464.1, residues 1291-1311): QSDSKSSKLT[Lys1301Asn]DFSALESQLQ

ClinVar aggregate classification (germline): Conflicting classifications of pathogenicity. Review status: criteria provided, conflicting classifications (1 of 4 stars). 5 submissions from 5 submitters: Uncertain significance (4); Likely benign (1). Last evaluated 2026-04-23.

Conditions:
Inborn genetic diseases. Identifiers: MedGen C0950123, MeSH D030342.

Allele frequency attached by ClinVar (database versions not stated): TOPMed below 0.00001; gnomAD exomes 0.00002 and 0.00001; ExAC 0.00001; gnomAD 0.00001.
gnomAD v4.1: 15 of 1,613,880 alleles (0.00093%); highest among the groups gnomAD compares: Non-Finnish European, 0.0013%; 1 homozygote.

Submissions (5):

GeneDx
Classification: Uncertain significance. Last evaluated: 2026-04-23. Review status: criteria provided, single submitter. Criteria: GeneDx Variant Classification Process June 2021. Collection method: clinical testing. Allele origin: germline.
Comment: In silico analysis supports that this missense variant has a deleterious effect on protein structure/function; Has not been previously published as pathogenic or benign to our knowledge

Labcorp Genetics (formerly Invitae), Labcorp
Classification: Likely benign. Last evaluated: 2023-10-17. Review status: criteria provided, single submitter. Criteria: Invitae Variant Classification Sherloc (09022015). Collection method: clinical testing. Allele origin: germline.

Blueprint Genetics
Classification: Uncertain significance. Last evaluated: 2023-03-22. Review status: criteria provided, single submitter. Criteria: ACMG Guidelines, 2015. Collection method: clinical testing. Allele origin: germline.

Ambry Genetics
Classification: Uncertain significance for Inborn genetic diseases. Last evaluated: 2022-10-05. Review status: criteria provided, single submitter. Criteria: Ambry Variant Classification Scheme 2023. Collection method: clinical testing. Allele origin: germline.

Laboratory for Molecular Medicine, Mass General Brigham Personalized Medicine
Classification: Uncertain significance. Last evaluated: 2016-01-21. Review status: criteria provided, single submitter. Criteria: LMM Criteria. Collection method: clinical testing. Allele origin: germline. Observed: 1 variant allele.
Comment: The p.Lys1301Asn variant in MYH9 has not been previously reported in individuals with hearing loss or MYH9-related disorder. This variant has been identified in 1/65600 European chromosomes by the Exome Aggregation Consortium (ExAC; dbSNP rs767235227); however this frequency is not high enough to rule out a pathogenic role. Computational prediction tools and conserv ation analyses do not provide strong support for or against an impact to the pro tein. In summary, the clinical significance of the p.Lys1301Asn variant is uncer tain.